The following is an entry in ClinVar:

NM_199420.4(POLQ):c.2446C>T (p.His816Tyr)

Gene: POLQ (DNA polymerase theta; minus strand). Cytogenetic location: 3q13.33.
Variant type: single nucleotide variant.
Coding change: c.2446C>T on transcript NM_199420.4 (MANE Select); coding-DNA position 2446, C replaced by T.
Protein change: p.His816Tyr; replaces histidine 816 with tyrosine.
Molecular consequence: missense variant.
Genome position (GRCh38, 1-based): chr3:121,493,554, G>A on the plus strand (C>T on the coding strand, the complement: POLQ is on the minus strand). VCF-style: chr3-121493554-G-A. GRCh37 (hg19) VCF-style: chr3-121212401-G-A.
Other names: short protein forms H816Y.
Identifiers: ClinVar variation 1791395 (VCV001791395.2), dbSNP rs2546790691, ClinGen allele CA354107616.

ClinVar aggregate classification (germline): Uncertain significance (1 of 4 stars; one submission).

Submission:

Ambry Genetics
Classification: Uncertain significance. Last evaluated: 2021-09-07. Review status: criteria provided, single submitter. Criteria: Ambry Variant Classification Scheme 2023. Collection method: clinical testing. Allele origin: germline.
Comment: The p.H816Y variant (also known as c.2446C>T), located in coding exon 15 of the POLQ gene, results from a C to T substitution at nucleotide position 2446. The histidine at codon 816 is replaced by tyrosine, an amino acid with similar properties. This amino acid position is conserved. In addition, this alteration is predicted to be tolerated by in silico analysis. Since supporting evidence is limited at this time, the clinical significance of this alteration remains unclear.